The following is an entry in ClinVar:

NC_012920.1(MT-CO2):m.7919G>A

Gene: MT-CO2 (mitochondrially encoded cytochrome c oxidase II; plus strand).
Variant type: single nucleotide variant.
Genome position: chrM-7919-G-A.
Identifiers: ClinVar variation 692795 (VCV000692795.1), dbSNP rs1603221212, ClinGen allele CA414794239.

ClinVar aggregate classification (germline): Uncertain significance (1 of 4 stars; one submission).

Conditions:
Leigh syndrome (NULS). Also called: Leigh's necrotizing encephalopathy; Leigh's disease; Leigh Syndrome (mtDNA deletion); Leigh Disease; Subacute necrotizing encephalopathy; Necrotizing encephalopathy infantile subacute of Leigh. Identifiers: Orphanet 506, MedGen C2931891, MONDO:0009723, OMIM 256000.

Submission:

Wong Mito Lab, Molecular and Human Genetics, Baylor College of Medicine
Classification: Uncertain significance for Leigh syndrome. Last evaluated: 2019-10-17. Review status: criteria provided, single submitter. Criteria: Modified ACMG Guidelines (Unpublished). Collection method: clinical testing. Allele origin: germline.
Comment: The NC_012920.1:m.7919G>A (YP_003024029.1:p.Asp112Asn) variant in MTCO2 gene is interpretated to be a Uncertain Significance variant based on the modified ACMG guidelines (unpublished). This variant meets the following evidence codes: PP6, PP7